The following is an entry in ClinVar:

NM_004304.5(ALK):c.599G>T (p.Arg200Ile)

Gene: ALK (ALK receptor tyrosine kinase; minus strand). Cytogenetic location: 2p23.1.
Variant type: single nucleotide variant.
Coding change: c.599G>T on transcript NM_004304.5 (MANE Select); coding-DNA position 599, G replaced by T.
Protein change: p.Arg200Ile; replaces arginine 200 with isoleucine.
Molecular consequence: missense variant.
Genome position (GRCh38, 1-based): chr2:29,920,061, C>A on the plus strand (G>T on the coding strand, the complement: ALK is on the minus strand). VCF-style: chr2-29920061-C-A. GRCh37 (hg19) VCF-style: chr2-30142927-C-A.
Other names: short protein forms R200I.
Identifiers: ClinVar variation 3525135 (VCV003525135.1).

ClinVar aggregate classification (germline): Uncertain significance (1 of 4 stars; one submission).

Conditions:
Hereditary cancer-predisposing syndrome. Also called: Hereditary Cancer Syndrome; Hereditary neoplastic syndrome; Tumor predisposition; Neoplastic Syndromes, Hereditary. Identifiers: Orphanet 140162, MedGen C0027672, MeSH D009386, MONDO:0015356.

Submission:

Ambry Genetics
Classification: Uncertain significance for Hereditary cancer-predisposing syndrome. Last evaluated: 2024-11-14. Review status: criteria provided, single submitter. Criteria: Ambry Variant Classification Scheme 2023. Collection method: clinical testing. Allele origin: germline.
Comment: The p.R200I variant (also known as c.599G>T), located in coding exon 1 of the ALK gene, results from a G to T substitution at nucleotide position 599. The arginine at codon 200 is replaced by isoleucine, an amino acid with similar properties. This amino acid position is conserved. In addition, the in silico prediction for this alteration is inconclusive. Based on the available evidence, the clinical significance of this variant remains unclear.